The following is an entry in ClinVar:

ClinVar aggregate classification (germline): Uncertain significance. Review status: criteria provided, multiple submitters, no conflicts (2 of 4 stars). 2 submissions from 2 submitters: Uncertain significance (2). Last evaluated 2019-09-17.

Conditions:
Hereditary spastic paraplegia 11. Also called: Nakamura Osame syndrome; Spastic paraplegia, mental retardation and thin corpus callosum; Autosomal recessive hereditary spastic paraplegia, mental impairment, and thin corpus callosum; Spastic Paraplegia 11; SPASTIC PARAPLEGIA, AUTOSOMAL RECESSIVE, COMPLICATED, WITH THIN CORPUS CALLOSUM; SPASTIC PARAPLEGIA, AUTOSOMAL RECESSIVE, WITH MENTAL IMPAIRMENT AND THIN CORPUS CALLOSUM. Identifiers: Orphanet 2822, MedGen C1858479, MONDO:0011445, OMIM 604360.

Submissions (2):

Blueprint Genetics
Classification: Uncertain significance. Last evaluated: 2019-09-17. Review status: criteria provided, single submitter. Criteria: ACMG Guidelines, 2015. Collection method: clinical testing. Allele origin: germline.

Labcorp Genetics (formerly Invitae), Labcorp
Classification: Uncertain significance for Hereditary spastic paraplegia 11. Last evaluated: 2018-03-17. Review status: criteria provided, single submitter. Criteria: Invitae Variant Classification Sherloc (09022015). Collection method: clinical testing. Allele origin: germline.
Comment: In summary, the available evidence is currently insufficient to determine the role of this variant in disease. Therefore, it has been classified as a Variant of Uncertain Significance. This sequence change replaces serine with arginine at codon 1982 of the SPG11 protein (p.Ser1982Arg). The serine residue is highly conserved and there is a moderate physicochemical difference between serine and arginine. This variant is not present in population databases (ExAC no frequency). This variant has not been reported in the literature in individuals with SPG11-related disease. Algorithms developed to predict the effect of missense changes on protein structure and function output the following: SIFT: "Tolerated"; PolyPhen-2: "Possibly Damaging"; Align-GVGD: "Class C0". The arginine amino acid residue is found in multiple mammalian species, suggesting that this missense change does not adversely affect protein function. These predictions have not been confirmed by published functional studies and their clinical significance is uncertain.

NM_025137.4(SPG11):c.5946C>G (p.Ser1982Arg)

Gene: SPG11 (SPG11 vesicle trafficking associated, spatacsin; minus strand). Cytogenetic location: 15q21.1.
Variant type: single nucleotide variant.
Coding change: c.5946C>G on transcript NM_025137.4 (MANE Select); coding-DNA position 5946, C replaced by G.
Protein change: p.Ser1982Arg; replaces serine 1982 with arginine.
Molecular consequence: missense variant. On other transcripts: intron variant (1).
Genome position (GRCh38, 1-based): chr15:44,574,962, G>C on the plus strand (C>G on the coding strand, the complement: SPG11 is on the minus strand). VCF-style: chr15-44574962-G-C. GRCh37 (hg19) VCF-style: chr15-44867160-G-C.
Other names: c.5867-2142C>G (NM_001160227.2); short protein forms S1982R.
Identifiers: ClinVar variation 581250 (VCV000581250.9), dbSNP rs1567132752, ClinGen allele CA392218798.